The following is an entry in ClinVar:

ClinVar aggregate classification (germline): Uncertain significance (1 of 4 stars; one submission).

Allele frequency attached by ClinVar (database versions not stated): ExAC 0.00002; 1000 Genomes Project 30x 0.00031; 1000 Genomes Project 0.00040.
gnomAD v4.1: 31 of 1,544,844 alleles (0.002%); highest among the groups gnomAD compares: Admixed American, 0.041%; no homozygotes.

Submission:

Labcorp Genetics (formerly Invitae), Labcorp
Classification: Uncertain significance. Last evaluated: 2025-01-06. Review status: criteria provided, single submitter. Criteria: Invitae Variant Classification Sherloc (09022015). Collection method: clinical testing. Allele origin: germline.
Comment: This sequence change replaces glycine, which is neutral and non-polar, with serine, which is neutral and polar, at codon 602 of the KIAA0753 protein (p.Gly602Ser). This variant is present in population databases (rs188289710, gnomAD 0.02%). This variant has not been reported in the literature in individuals affected with KIAA0753-related conditions. ClinVar contains an entry for this variant (Variation ID: 1425000). An algorithm developed to predict the effect of missense changes on protein structure and function (PolyPhen-2) suggests that this variant¬†is likely to be tolerated. In summary, the available evidence is currently insufficient to determine the role of this variant in disease. Therefore, it has been classified as a Variant of Uncertain Significance.

NM_014804.3(KIAA0753):c.1804G>A (p.Gly602Ser)

Gene: KIAA0753 (KIAA0753; minus strand). Cytogenetic location: 17p13.1.
Variant type: single nucleotide variant.
Coding change: c.1804G>A on transcript NM_014804.3 (MANE Select); coding-DNA position 1804, G replaced by A.
Protein change: p.Gly602Ser; replaces glycine 602 with serine.
Molecular consequence: missense variant. On other transcripts: non-coding transcript variant (3).
Genome position (GRCh38, 1-based): chr17:6,608,373, C>T on the plus strand (G>A on the coding strand, the complement: KIAA0753 is on the minus strand). VCF-style: chr17-6608373-C-T. GRCh37 (hg19) VCF-style: chr17-6511693-C-T.
Other names: c.907G>A, p.Gly303Ser (NM_001351225.2); short protein forms G602S, G303S.
Identifiers: ClinVar variation 1425000 (VCV001425000.4), dbSNP rs188289710, ClinGen allele CA8330376.
Genomic context (GRCh38, chr17:6,608,373, plus strand): 5'-TAATTCTCAAAGATCTGAAAAATACCAGCACAAACCTGGCTGCTTCATGCTCAACAGCAC[C>T]TGTCAGGTGACTTTCCTCTTGAGGATCTTCTTGCTGGAGAGGCTCTTTTGTGGCATCTCT-3'
Protein context (NP_055619.2, residues 592-612): EDPQEESHLT[Gly602Ser]AVEHEAARLA